The following is an entry in ClinVar:

ClinVar aggregate classification (germline): Benign. Review status: criteria provided, multiple submitters, no conflicts (2 of 4 stars). 2 submissions from 2 submitters: Benign (2). Last evaluated 2018-06-19.

Allele frequency attached by ClinVar (database versions not stated): TOPMed 0.06589; 1000 Genomes Project 0.05611; gnomAD 0.05827; 1000 Genomes Project 30x 0.06090.
gnomAD v4.1: 11,890 of 606,968 alleles (2%); highest among the groups gnomAD compares: African/African-American, 19%; 997 homozygotes.

Submissions (2):

GeneDx
Classification: Benign. Last evaluated: 2018-06-19. Review status: criteria provided, single submitter. Criteria: GeneDx Variant Classification (06012015). Collection method: clinical testing. Allele origin: germline. Affected: yes.
Comment: This variant is considered likely benign or benign based on one or more of the following criteria: it is a conservative change, it occurs at a poorly conserved position in the protein, it is predicted to be benign by multiple in silico algorithms, and/or has population frequency not consistent with disease.

Breakthrough Genomics
Classification: Benign. Review status: criteria provided, single submitter. Criteria: ACMG Guidelines, 2015. Collection method: not provided. Allele origin: germline. Inheritance: Autosomal recessive inheritance. Affected: yes.

NM_198576.4(AGRN):c.4106-231G>A

Gene: AGRN (agrin; plus strand). Cytogenetic location: 1p36.33.
Variant type: single nucleotide variant.
Coding change: c.4106-231G>A on transcript NM_198576.4 (MANE Select); 231 bases into the intron before coding-DNA position 4106, G replaced by A.
Molecular consequence: intron variant.
Genome position (GRCh38, 1-based): chr1:1,048,636, G>A. VCF-style: chr1-1048636-G-A. GRCh37 (hg19) VCF-style: chr1-984016-G-A.
Other names: c.4106-231G>A (NM_001305275.2); c.3791-231G>A (NM_001364727.2).
Identifiers: ClinVar variation 678946 (VCV000678946.2), dbSNP rs112285003, ClinGen allele CA16700262.
Genomic context (GRCh38, chr1:1,048,636, plus strand): 5'-GCCTGACCAACATGGAGACACTCTGTCTCTACTAAAAATACAAAATTAGCCGGGCGTGGT[G>A]GTGGGCGCCTGTAATCCCACCTCGTGAGGCTGAGGCAGGAGAATCGCTTGAACCTGGCAG-3'